The following is an entry in ClinVar:

ClinVar aggregate classification (germline): Uncertain significance (1 of 4 stars; one submission).

Conditions:
Combined oxidative phosphorylation deficiency 51. Identifiers: MedGen C5436703, MONDO:0033631, OMIM 619057.

Submission:

3billion
Classification: Uncertain significance for Combined oxidative phosphorylation deficiency 51. Last evaluated: 2025-12-11. Review status: criteria provided, single submitter. Criteria: ACMG Guidelines, 2015. Collection method: clinical testing. Allele origin: germline. Affected: yes.
Comment: The variant is observed at an extremely low frequency in the gnomAD v4.1.0 dataset (total allele frequency: 0.004%). Predicted Consequence/Location: Frameshift: predicted to result in a loss or disruption of normal protein function through protein truncation. The predicted truncated protein may be shortened by less than 10%. Therefore, this variant is classified as VUS according to the recommendation of ACMG/AMP guideline.

NM_017952.6(PTCD3):c.2025_2028del (p.Asp676fs)

Gene: PTCD3 (pentatricopeptide repeat domain 3; plus strand). Cytogenetic location: 2p11.2.
Variant type: Deletion.
Coding change: c.2025_2028del on transcript NM_017952.6 (MANE Select); coding-DNA positions 2025 to 2028, 4 bases deleted (TGAC; older notation c.2025_2028delTGAC).
Protein change: p.Asp676fs; shifts the reading frame from aspartic acid 676.
Molecular consequence: frameshift variant.
Genome position (GRCh38, 1-based): chr2:86,137,514-86,137,517, TGAC deleted; deleting any 4 consecutive bases within chr2:86,137,512-86,137,517 gives the same sequence; the c. name uses the placement nearest the transcript's 3' end. VCF-style (leftmost placement, unchanged base first): chr2-86137511-TACTG-T. GRCh37 (hg19) VCF-style: chr2-86364634-TACTG-T.
Other names: short protein forms D676fs.
Identifiers: ClinVar variation 4855320 (VCV004855320.1).